The following is an entry in ClinVar:

ClinVar aggregate classification (germline): Uncertain significance (1 of 4 stars; one submission).

Allele frequency attached by ClinVar (database versions not stated): gnomAD exomes below 0.00001.
gnomAD v4.1: 1 of 1,613,174 alleles (0.000062%); highest among the groups gnomAD compares: Non-Finnish European, 0.000085%; no homozygotes.

Submission:

Labcorp Genetics (formerly Invitae), Labcorp
Classification: Uncertain significance. Last evaluated: 2023-12-08. Review status: criteria provided, single submitter. Criteria: Invitae Variant Classification Sherloc (09022015). Collection method: clinical testing. Allele origin: germline.
Comment: This sequence change replaces valine, which is neutral and non-polar, with methionine, which is neutral and non-polar, at codon 528 of the GRIN2D protein (p.Val528Met). This variant is not present in population databases (gnomAD no frequency). This variant has not been reported in the literature in individuals affected with GRIN2D-related conditions. An algorithm developed to predict the effect of missense changes on protein structure and function (PolyPhen-2) suggests that this variant is likely to be disruptive. In summary, the available evidence is currently insufficient to determine the role of this variant in disease. Therefore, it has been classified as a Variant of Uncertain Significance.

NM_000836.4(GRIN2D):c.1582G>A (p.Val528Met)

Gene: GRIN2D (glutamate ionotropic receptor NMDA type subunit 2D; plus strand). Cytogenetic location: 19q13.33.
Variant type: single nucleotide variant.
Coding change: c.1582G>A on transcript NM_000836.4 (MANE Select); coding-DNA position 1582, G replaced by A.
Protein change: p.Val528Met; replaces valine 528 with methionine.
Molecular consequence: missense variant.
Genome position (GRCh38, 1-based): chr19:48,416,002, G>A. VCF-style: chr19-48416002-G-A. GRCh37 (hg19) VCF-style: chr19-48919259-G-A.
Other names: short protein forms V528M.
Identifiers: ClinVar variation 2701436 (VCV002701436.3), dbSNP rs2513672778, ClinGen allele CA406695934.